The following is an entry in ClinVar:

ClinVar aggregate classification (germline): Uncertain significance (1 of 4 stars; one submission).

Submission:

Ambry Genetics
Classification: Uncertain significance. Last evaluated: 2024-03-20. Review status: criteria provided, single submitter. Criteria: Ambry Variant Classification Scheme 2023. Collection method: clinical testing. Allele origin: germline.
Comment: The p.C602Y variant (also known as c.1805G>A), located in coding exon 3 of the ALPK2 gene, results from a G to A substitution at nucleotide position 1805. The cysteine at codon 602 is replaced by tyrosine, an amino acid with highly dissimilar properties. This amino acid position is conserved. In addition, this alteration is predicted to be tolerated by in silico analysis. Based on the available evidence, the clinical significance of this alteration remains unclear.

NM_052947.4(ALPK2):c.1805G>A (p.Cys602Tyr)

Gene: ALPK2 (alpha kinase 2; minus strand). Cytogenetic location: 18q21.31.
Variant type: single nucleotide variant.
Coding change: c.1805G>A on transcript NM_052947.4 (MANE Select); coding-DNA position 1805, G replaced by A.
Protein change: p.Cys602Tyr; replaces cysteine 602 with tyrosine.
Molecular consequence: missense variant.
Genome position (GRCh38, 1-based): chr18:58,578,971, C>T on the plus strand (G>A on the coding strand, the complement: ALPK2 is on the minus strand). VCF-style: chr18-58578971-C-T. GRCh37 (hg19) VCF-style: chr18-56246203-C-T.
Other names: short protein forms C602Y.
Identifiers: ClinVar variation 3289809 (VCV003289809.1).